The following is an entry in ClinVar:

ClinVar aggregate classification (germline): Uncertain significance (1 of 4 stars; one submission).

Conditions:
Rubinstein-Taybi syndrome due to EP300 haploinsufficiency. Also called: EP300-Related Rubinstein-Taybi Syndrome; RUBINSTEIN-TAYBI SYNDROME 2. Identifiers: Orphanet 353284, Orphanet 783, MedGen C3150941, MONDO:0013364, OMIM 613684.

Submission:

Labcorp Genetics (formerly Invitae), Labcorp
Classification: Uncertain significance for Rubinstein-Taybi syndrome due to EP300 haploinsufficiency. Last evaluated: 2025-06-30. Review status: criteria provided, single submitter. Criteria: Invitae Variant Classification Sherloc (09022015). Collection method: clinical testing. Allele origin: germline.
Comment: This sequence change replaces glutamic acid, which is acidic and polar, with glycine, which is neutral and non-polar, at codon 1351 of the EP300 protein (p.Glu1351Gly). This variant is not present in population databases (gnomAD no frequency). This variant has not been reported in the literature in individuals affected with EP300-related conditions. Invitae Evidence Modeling of protein sequence and biophysical properties (such as structural, functional, and spatial information, amino acid conservation, physicochemical variation, residue mobility, and thermodynamic stability) indicates that this missense variant is not expected to disrupt EP300 protein function with a negative predictive value of 80%. In summary, the available evidence is currently insufficient to determine the role of this variant in disease. Therefore, it has been classified as a Variant of Uncertain Significance.

NM_001429.4(EP300):c.4052A>G (p.Glu1351Gly)

Gene: EP300 (EP300 lysine acetyltransferase; plus strand). Cytogenetic location: 22q13.2.
Variant type: single nucleotide variant.
Coding change: c.4052A>G on transcript NM_001429.4 (MANE Select); coding-DNA position 4052, A replaced by G.
Protein change: p.Glu1351Gly; replaces glutamic acid 1351 with glycine.
Molecular consequence: missense variant.
Genome position (GRCh38, 1-based): chr22:41,168,747, A>G. VCF-style: chr22-41168747-A-G. GRCh37 (hg19) VCF-style: chr22-41564751-A-G.
Other names: c.3974A>G, p.Glu1325Gly (NM_001362843.2); short protein forms E1325G, E1351G.
Identifiers: ClinVar variation 4743123 (VCV004743123.1).